The following is an entry in ClinVar:

ClinVar aggregate classification (germline): Likely benign (1 of 4 stars; one submission).

Allele frequency attached by ClinVar (database versions not stated): ESP Exome Variant Server 0.00054; gnomAD 0.00090; 1000 Genomes Project 30x 0.00094; 1000 Genomes Project 0.00100; gnomAD exomes 0.00100; TOPMed 0.00116; ExAC 0.00127.
gnomAD v4.1: 1,604 of 1,614,186 alleles (0.099%); highest among the groups gnomAD compares: Middle Eastern, 0.86%; 7 homozygotes.

Submission:

CeGaT Center for Human Genetics Tuebingen
Classification: Likely benign. Last evaluated: 2022-12-01. Review status: criteria provided, single submitter. Criteria: CeGaT Center For Human Genetics Tuebingen Variant Classification Criteria Version 2. Collection method: clinical testing. Allele origin: germline. Affected: yes. Observed: 1 variant allele.
Comment: NPR1: BP4, BP7

NM_000906.4(NPR1):c.1359C>T (p.Pro453=)

Gene: NPR1 (natriuretic peptide receptor 1; plus strand). Cytogenetic location: 1q21.3.
Variant type: single nucleotide variant.
Coding change: c.1359C>T on transcript NM_000906.4 (MANE Select); coding-DNA position 1359, C replaced by T.
Protein change: p.Pro453=; no amino-acid change (proline 453 retained).
Molecular consequence: synonymous variant.
Genome position (GRCh38, 1-based): chr1:153,683,471, C>T. VCF-style: chr1-153683471-C-T. GRCh37 (hg19) VCF-style: chr1-153655947-C-T.
Identifiers: ClinVar variation 2639349 (VCV002639349.24), dbSNP rs148618212, ClinGen allele CA1118061.
Genomic context (GRCh38, chr1:153,683,471, plus strand): 5'-GGTGGCTGTGTCGGGGCGCAAACTGAACTGGCCCCTGGGGTACCCTCCTCCTGACATCCC[C>T]AAATGTGGCTTTGACAACGAAGACCCAGCATGCAACCAAGGTGACTGCCCCTTGCCTTCC-3'
Protein context (NP_000897.3, residues 443-463): WPLGYPPPDI[Pro453=]KCGFDNEDPA